The following is an entry in ClinVar:

NM_033419.5(PGAP3):c.175C>G (p.Leu59Val)

Gene: PGAP3 (post-GPI attachment to proteins phospholipase 3; minus strand). Cytogenetic location: 17q12.
Variant type: single nucleotide variant.
Coding change: c.175C>G on transcript NM_033419.5 (MANE Select); coding-DNA position 175, C replaced by G.
Protein change: p.Leu59Val; replaces leucine 59 with valine.
Molecular consequence: missense variant.
Genome position (GRCh38, 1-based): chr17:39,687,840, G>C on the plus strand (C>G on the coding strand, the complement: PGAP3 is on the minus strand). VCF-style: chr17-39687840-G-C. GRCh37 (hg19) VCF-style: chr17-37844093-G-C.
Other names: c.175C>G, p.Leu59Val (NM_001291726.2, NM_001291728.2, NM_001291730.2 and 2 more transcripts); short protein forms L59V.
Identifiers: ClinVar variation 426823 (VCV000426823.6), dbSNP rs781433220, ClinGen allele CA8533465.

ClinVar aggregate classification (germline): Conflicting classifications of pathogenicity. Review status: criteria provided, conflicting classifications (1 of 4 stars). 4 submissions from 4 submitters: Likely pathogenic (1); Uncertain significance (2); Likely benign (1). Last evaluated 2025-07-08.

Conditions:
Inborn genetic diseases. Identifiers: MedGen C0950123, MeSH D030342.
Hyperphosphatasia with impaired intellectual development syndrome 4. Also called: GLYCOSYLPHOSPHATIDYLINOSITOL BIOSYNTHESIS DEFECT 10; Hyperphosphatasia with intellectual disability syndrome 4. Identifiers: Orphanet 247262, MedGen C3810354, MONDO:0014318, OMIM 615716.

Allele frequency attached by ClinVar (database versions not stated): gnomAD 0.00006 and 0.00001; ExAC 0.00018; gnomAD exomes 0.00008; TOPMed 0.00012.
gnomAD v4.1: 73 of 1,479,942 alleles (0.0049%); highest among the groups gnomAD compares: South Asian, 0.051%; no homozygotes.

Submissions (4):

Labcorp Genetics (formerly Invitae), Labcorp
Classification: Likely benign. Last evaluated: 2025-07-08. Review status: criteria provided, single submitter. Criteria: Invitae Variant Classification Sherloc (09022015). Collection method: clinical testing. Allele origin: germline.

Genetics and Genomic Medicine Centre, NeuroGen Healthcare, NeuroGen Healthcare
Classification: Likely pathogenic for Hyperphosphatasia with impaired intellectual development syndrome 4. Last evaluated: 2024-06-15. Review status: criteria provided, single submitter. Criteria: ACMG Guidelines, 2015. Collection method: clinical testing. Allele origin: unknown. Affected: yes.

Ambry Genetics
Classification: Uncertain significance for Inborn genetic diseases. Last evaluated: 2021-10-15. Review status: criteria provided, single submitter. Criteria: Ambry Variant Classification Scheme 2023. Collection method: clinical testing. Allele origin: germline.

GeneDx
Classification: Uncertain significance. Last evaluated: 2017-04-03. Review status: criteria provided, single submitter. Criteria: GeneDx Variant Classification (06012015). Collection method: clinical testing. Allele origin: germline. Affected: yes.
Comment: The L59V variant in the PGAP3 gene has not been reported previously as a pathogenic variant, nor as a benign variant, to our knowledge. The L59V variant is observed in 5/3058 (0.16%) alleles from individuals of East Asian background in the ExAC dataset, and no individuals were reported to be homozygous (Lek et al., 2016). The L59V variant is a conservative amino acid substitution, which occurs at a position that is conserved across species. In silico analysis is inconsistent in its predictions as to whether or not the variant is damaging to the protein structure/function. We interpret L59V as a variant of uncertain significance.